The following is an entry in ClinVar:

ClinVar aggregate classification (germline): Likely benign. Review status: criteria provided, multiple submitters, no conflicts (2 of 4 stars). 3 submissions from 3 submitters: Likely benign (2). 1 of the submissions does not count toward it. Last evaluated 2026-02-03.

Conditions:
TOP2B-related disorder. Also called: TOP2B-related condition.

Submissions (3):

Labcorp Genetics (formerly Invitae), Labcorp
Classification: Likely benign. Last evaluated: 2026-02-03. Review status: criteria provided, single submitter. Criteria: Invitae Variant Classification Sherloc (09022015). Collection method: clinical testing. Allele origin: germline.

Blueprint Genetics
Classification: Likely benign. Last evaluated: 2024-11-18. Review status: criteria provided, single submitter. Criteria: ACMG Guidelines, 2015. Collection method: clinical testing. Allele origin: germline.

PreventionGenetics, part of Exact Sciences
Classification: Likely benign for TOP2B-related condition. Last evaluated: 2022-11-21. Review status: no assertion criteria provided. Collection method: clinical testing. Allele origin: germline. Not counted in ClinVar's aggregate classification.
Comment: This variant is classified as likely benign based on ACMG/AMP sequence variant interpretation guidelines (Richards et al. 2015 PMID: 25741868, with internal and published modifications).

NM_001330700.2(TOP2B):c.396-22_396-5del

Gene: TOP2B (DNA topoisomerase II beta; minus strand). Cytogenetic location: 3p24.2.
Variant type: Deletion.
Coding change: c.396-22_396-5del on transcript NM_001330700.2 (MANE Select); 22 bases into the intron before coding-DNA position 396 through 5 bases into the intron before coding-DNA position 396, 18 bases deleted (TTTTTTTTTTTTTTTTTT).
Molecular consequence: intron variant.
Genome position (GRCh38, 1-based): chr3:25,638,315-25,638,332, AAAAAAAAAAAAAAAAAA deleted on the plus strand (TTTTTTTTTTTTTTTTTT on the coding strand, the reverse complement: TOP2B is on the minus strand); deleting any 18 consecutive bases within chr3:25,638,315-25,638,352 gives the same sequence; the c. name uses the placement nearest the transcript's 3' end. VCF-style (leftmost placement, unchanged base first): chr3-25638314-TAAAAAAAAAAAAAAAAAA-T. GRCh37 (hg19) VCF-style: chr3-25679805-TAAAAAAAAAAAAAAAAAA-T.
Other names: c.381-22_381-5del (NM_001068.3); c.396-22_396-5del18 (NM_001330700.1).
Identifiers: ClinVar variation 1129460 (VCV001129460.10), dbSNP rs56986587, ClinGen allele CA905648699.
Genomic context (GRCh38, chr3:25,638,314, plus strand): 5'-TGTTCTACTACTGGAATGCCTTTCCCATTATTCCAAATGCTTATAATGTTAGATTCACTG[TAAAAAAAAAAAAAAAAAA>T]AAAAAAAAAAAAAAAAAAAAGCAGAATTTAGAGCTTAAAATAGTAAAGATAAATTAATTC-3'